The following is an entry in ClinVar:

ClinVar aggregate classification (germline): Uncertain significance. Review status: criteria provided, multiple submitters, no conflicts (2 of 4 stars). 3 submissions from 3 submitters: Uncertain significance (3). Last evaluated 2026-09-21.

Conditions:
Cardiovascular phenotype. Identifiers: MedGen CN230736.
Inborn genetic diseases. Identifiers: MedGen C0950123, MeSH D030342.

Allele frequency attached by ClinVar (database versions not stated): gnomAD 0.00001 and 0.00002; TOPMed 0.00001; gnomAD exomes 0.00002 and 0.00001; ExAC 0.00002.
gnomAD v4.1: 20 of 1,614,110 alleles (0.0012%); highest among the groups gnomAD compares: Admixed American, 0.0033%; no homozygotes.

Submissions (3):

Molecular Diagnostic Laboratory for Inherited Cardiovascular Disease, Montreal Heart Institute
Classification: Uncertain significance for Cardiovascular phenotype. Last evaluated: 2026-09-21. Review status: criteria provided, single submitter. Criteria: ACMG Guidelines, 2015. Collection method: clinical testing. Allele origin: germline. Affected: yes.

Ambry Genetics
Classification: Uncertain significance for Inborn genetic diseases. Last evaluated: 2026-08-12. Review status: criteria provided, single submitter. Criteria: Ambry Variant Classification Scheme 2023. Collection method: clinical testing. Allele origin: germline.
Comment: The c.1319G>A (p.R440Q) alteration is located in exon 11 (coding exon 11) of the FBLN5 gene. This alteration results from a G to A substitution at nucleotide position 1319, causing the arginine (R) at amino acid position 440 to be replaced by a glutamine (Q). Based on data from gnomAD, the A allele has an overall frequency of 0.002% (6/282842) total alleles studied. The highest observed frequency was 0.005% (1/19952) of East Asian alleles. Based on insufficient or conflicting evidence, the clinical significance of this alteration remains unclear.

Labcorp Genetics (formerly Invitae), Labcorp
Classification: Uncertain significance. Last evaluated: 2023-06-25. Review status: criteria provided, single submitter. Criteria: Invitae Variant Classification Sherloc (09022015). Collection method: clinical testing. Allele origin: germline.
Comment: In summary, the available evidence is currently insufficient to determine the role of this variant in disease. Therefore, it has been classified as a Variant of Uncertain Significance. Advanced modeling of protein sequence and biophysical properties (such as structural, functional, and spatial information, amino acid conservation, physicochemical variation, residue mobility, and thermodynamic stability) performed at Invitae indicates that this missense variant is not expected to disrupt FBLN5 protein function. ClinVar contains an entry for this variant (Variation ID: 1522651). This variant has not been reported in the literature in individuals affected with FBLN5-related conditions. This variant is present in population databases (rs755330702, gnomAD 0.005%). This sequence change replaces arginine, which is basic and polar, with glutamine, which is neutral and polar, at codon 440 of the FBLN5 protein (p.Arg440Gln).

NM_006329.4(FBLN5):c.1319G>A (p.Arg440Gln)

Gene: FBLN5 (fibulin 5; minus strand). Cytogenetic location: 14q32.12.
Variant type: single nucleotide variant.
Coding change: c.1319G>A on transcript NM_006329.4 (MANE Select); coding-DNA position 1319, G replaced by A.
Protein change: p.Arg440Gln; replaces arginine 440 with glutamine.
Molecular consequence: missense variant. On other transcripts: 3 prime UTR variant (2).
Genome position (GRCh38, 1-based): chr14:91,870,252, C>T on the plus strand (G>A on the coding strand, the complement: FBLN5 is on the minus strand). VCF-style: chr14-91870252-C-T. GRCh37 (hg19) VCF-style: chr14-92336596-C-T.
Other names: c.1442G>A, p.Arg481Gln (NM_001384158.1); c.1370G>A, p.Arg457Gln (NM_001384159.1); c.*103G>A (NM_001384160.1, NM_001384161.1); c.1151G>A, p.Arg384Gln (NM_001384162.1); c.1319G>A (NM_006329.3); short protein forms R481Q, R440Q, R457Q, R384Q.
Identifiers: ClinVar variation 1522651 (VCV001522651.7), dbSNP rs755330702, ClinGen allele CA7312564.